The following is an entry in ClinVar:

NM_000322.5(PRPH2):c.232_233insT (p.Ala78fs)

Gene: PRPH2 (peripherin 2; minus strand). Cytogenetic location: 6p21.1.
Variant type: Insertion.
Coding change: c.232_233insT on transcript NM_000322.5 (MANE Select); coding-DNA positions 232 to 233, T inserted.
Protein change: p.Ala78fs; shifts the reading frame from alanine 78.
Molecular consequence: frameshift variant.
Genome position: GRCh38 VCF-style: chr6-42722102-G-GA. GRCh37 (hg19) VCF-style: chr6-42689840-G-GA.
Other names: short protein forms A78fs.
Identifiers: ClinVar variation 1175255 (VCV001175255.1), dbSNP rs2152011033, ClinGen allele CA2499218305.

ClinVar aggregate classification (germline): Pathogenic (0 of 4 stars; one submission).

Submission:

Leiden Open Variation Database
Classification: Pathogenic. Last evaluated: 2021-04-06. Review status: no assertion criteria provided. Collection method: curation. Allele origin: germline. Affected: yes.
Comment: Curator: Global Variome, with Curator vacancy. Submitter to LOVD: Manon Peeters.

Literature cited by the submitters: PubMed 19506198.